The following is an entry in ClinVar:

ClinVar aggregate classification (germline): Likely benign. Review status: reviewed by expert panel (3 of 4 stars). 3 submissions from 3 submitters: Likely benign (1). 2 of the submissions do not count toward it. Last evaluated 2022-07-08.

Conditions:
Inborn genetic diseases. Identifiers: MedGen C0950123, MeSH D030342.
Hereditary thrombocytopenia and hematological cancer predisposition syndrome associated with RUNX1. Also called: RUNX1 Familial Platelet Disorder with Associated Myeloid Malignancies; Familial Platelet Disorder with Propensity to Acute Myelogenous Leukemia; PLATELET DISORDER, ASPIRIN-LIKE; Familial thrombocytopenia with propensity to acute myelogenous leukemia. Identifiers: Orphanet 71290, MedGen C1832388, MeSH C563324, MONDO:0100083, OMIM 601399.
Hereditary thrombocytopenia and hematologic cancer predisposition syndrome. Identifiers: Orphanet 71290, MedGen CN281654, MONDO:0011071.

Allele frequency attached by ClinVar (database versions not stated): gnomAD exomes below 0.00001; TOPMed below 0.00001; gnomAD 0.00001.
gnomAD v4.1: 6 of 1,592,840 alleles (0.00038%); highest among the groups gnomAD compares: Admixed American, 0.0018%; no homozygotes.

Submissions (3):

ClinGen Myeloid Malignancy Variant Curation Expert Panel
Classification: Likely benign for Hereditary thrombocytopenia and hematologic cancer predisposition syndrome. Last evaluated: 2022-07-08. Review status: reviewed by expert panel. Criteria: ClinGen MyeloMalig ACMG Specifications v2. Collection method: curation. Allele origin: germline.
Comment: INM_001754.5(RUNX1):c.979C>T (p.Leu327=) is a synonymous variant. This variant is completely absent from all population databases with at least 20x coverage for RUNX1 (PM2_supporting). A REVEL score is not calculable, as this is a synonymous variant. SpliceAI predicts: Acceptor loss 0.00, donor loss 0.00, acceptor gain 0.00, donor gain 0.00. Evolutionary conservation prediction algorithms predict the site as not being conserved (PhyloP score 1.24426 < 2.0 or the variant is the reference nucleotide in one primate and/or three mammal species) (BP7). Therefore, there is no predicted effect on splicing. In summary, this variant meets the criteria to be classified as likely benign. ACMG/AMP criteria applied, as specified by the Myeloid Malignancy Variant Curation Expert Panel for RUNX1: PM2_supporting, BP4, BP7.

Ambry Genetics
Classification: Likely benign for Inborn genetic diseases. Last evaluated: 2025-01-13. Review status: criteria provided, single submitter. Criteria: Ambry Variant Classification Scheme 2023. Collection method: clinical testing. Allele origin: germline. Not counted in ClinVar's aggregate classification.

Labcorp Genetics (formerly Invitae), Labcorp
Classification: Likely benign for Hereditary thrombocytopenia and hematological cancer predisposition syndrome associated with RUNX1. Last evaluated: 2024-04-22. Review status: criteria provided, single submitter. Criteria: Invitae Variant Classification Sherloc (09022015). Collection method: clinical testing. Allele origin: germline. Not counted in ClinVar's aggregate classification.

NM_001754.5(RUNX1):c.979C>T (p.Leu327=)

Gene: RUNX1 (RUNX family transcription factor 1; minus strand). Cytogenetic location: 21q22.12.
Variant type: single nucleotide variant.
Coding change: c.979C>T on transcript NM_001754.5 (MANE Select); coding-DNA position 979, C replaced by T.
Protein change: p.Leu327=; no amino-acid change (leucine 327 retained).
Molecular consequence: synonymous variant.
Genome position (GRCh38, 1-based): chr21:34,792,599, G>A on the plus strand (C>T on the coding strand, the complement: RUNX1 is on the minus strand). VCF-style: chr21-34792599-G-A. GRCh37 (hg19) VCF-style: chr21-36164896-G-A.
Other names: NM_001754.5(RUNX1):c.979C>T; p.Leu327=; c.898C>T, p.Leu300= (NM_001001890.3).
Identifiers: ClinVar variation 698355 (VCV000698355.12), dbSNP rs1157267880, ClinGen allele CA512341396.
Genomic context (GRCh38, chr21:34,792,599, plus strand): 5'-TGCGGGGGTCGGAGATGGAGGGCAGCGCGGGGAACTGGCGCGGGTCGCTGAACGCTGTCA[G>A]GTCGGGTGCCGCTGCAGGGCGGGCAAGAGAACGGAGCGGAAGTGAGTAGGAGGTTGCGGA-3'
Protein context (NP_001745.2, residues 317-337): LSSRLSTAPD[Leu327=]TAFSDPRQFP